The following is an entry in ClinVar:

NM_001242896.3(DEPDC5):c.2631dup (p.Lys878fs)

Gene: DEPDC5 (DEP domain containing 5, GATOR1 subcomplex subunit; plus strand). Cytogenetic location: 22q12.3.
Variant type: Duplication.
Coding change: c.2631dup on transcript NM_001242896.3 (MANE Select); coding-DNA position 2631, one base duplicated (C; older notation c.2631dupC).
Protein change: p.Lys878fs; shifts the reading frame from lysine 878.
Molecular consequence: frameshift variant. On other transcripts: non-coding transcript variant (5).
Genome position (GRCh38, 1-based): chr22:31,843,210, C duplicated; the last of 3 consecutive C bases (chr22:31,843,208-31,843,210); duplicating any one gives the same sequence. VCF-style (leftmost placement, unchanged base first): chr22-31843207-T-TC. GRCh37 (hg19) VCF-style: chr22-32239193-T-TC.
Other names: c.2604dup, p.Lys869fs (NM_001136029.4, NM_001369903.1, NM_014662.6); c.2397dup, p.Lys800fs (NM_001242897.2, NM_001363854.2, NM_001364319.2); c.2631dup, p.Lys878fs (NM_001363852.2, NM_001364318.2, NM_001364320.2); c.2547dup, p.Lys850fs (NM_001369901.1, NM_001369902.1); short protein forms K800fs, K850fs, K869fs, K878fs.
Identifiers: ClinVar variation 1710931 (VCV001710931.2), dbSNP rs2520092645, ClinGen allele CA2580099663.

ClinVar aggregate classification (germline): Pathogenic (1 of 4 stars; one submission).

Conditions:
Seizure. Also called: Seizures. Identifiers: MedGen C0036572, HP:0001250.

Submission:

Cytogénomique, Hospices Civils de Lyon
Classification: Pathogenic for Seizure. Last evaluated: 2022-10-19. Review status: criteria provided, single submitter. Criteria: ACMG Guidelines, 2015. Collection method: clinical testing. Allele origin: paternal. Inheritance: Sporadic. Affected: yes. Observed: 1 variant allele, 1 heterozygote.
Comment: Truncating variant.